The following is an entry in ClinVar:

NM_015178.3(RHOBTB2):c.569T>G (p.Val190Gly)

Gene: RHOBTB2 (Rho related BTB domain containing 2; plus strand). Cytogenetic location: 8p21.3.
Variant type: single nucleotide variant.
Coding change: c.569T>G on transcript NM_015178.3 (MANE Select); coding-DNA position 569, T replaced by G.
Protein change: p.Val190Gly; replaces valine 190 with glycine.
Molecular consequence: missense variant.
Genome position (GRCh38, 1-based): chr8:23,006,814, T>G. VCF-style: chr8-23006814-T-G. GRCh37 (hg19) VCF-style: chr8-22864327-T-G.
Other names: c.635T>G, p.Val212Gly (NM_001160036.2); c.590T>G, p.Val197Gly (NM_001160037.2); c.569T>G, p.Val190Gly (NM_001374791.1); short protein forms V197G, V190G, V212G.
Identifiers: ClinVar variation 4739718 (VCV004739718.1).

ClinVar aggregate classification (germline): Uncertain significance (1 of 4 stars; one submission).

Submission:

Labcorp Genetics (formerly Invitae), Labcorp
Classification: Uncertain significance. Last evaluated: 2025-10-07. Review status: criteria provided, single submitter. Criteria: Invitae Variant Classification Sherloc (09022015). Collection method: clinical testing. Allele origin: germline.
Comment: This sequence change replaces valine, which is neutral and non-polar, with glycine, which is neutral and non-polar, at codon 212 of the RHOBTB2 protein (p.Val212Gly). This variant is not present in population databases (gnomAD no frequency). This variant has not been reported in the literature in individuals affected with RHOBTB2-related conditions. Invitae Evidence Modeling of protein sequence and biophysical properties (such as structural, functional, and spatial information, amino acid conservation, physicochemical variation, residue mobility, and thermodynamic stability) has been performed for this missense variant. However, the output from this modeling did not meet the statistical confidence thresholds required to predict the impact of this variant on RHOBTB2 protein function. In summary, the available evidence is currently insufficient to determine the role of this variant in disease. Therefore, it has been classified as a Variant of Uncertain Significance.